The following is an entry in ClinVar:

ClinVar aggregate classification (germline): Uncertain significance. Review status: criteria provided, multiple submitters, no conflicts (2 of 4 stars). 2 submissions from 2 submitters: Uncertain significance (2). Last evaluated 2025-08-09.

Conditions:
Inborn genetic diseases. Identifiers: MedGen C0950123, MeSH D030342.

Submissions (2):

Ambry Genetics
Classification: Uncertain significance for Inborn genetic diseases. Last evaluated: 2025-08-09. Review status: criteria provided, single submitter. Criteria: Ambry Variant Classification Scheme 2023. Collection method: clinical testing. Allele origin: germline.
Comment: The p.T566I variant (also known as c.1697C>T), located in coding exon 15 of the KDM1A gene, results from a C to T substitution at nucleotide position 1697. The threonine at codon 566 is replaced by isoleucine, an amino acid with similar properties. This amino acid position is conserved. In addition, this alteration is predicted to be deleterious by in silico analysis. Based on the available evidence, the clinical significance of this variant remains unclear.

GeneDx
Classification: Uncertain significance. Last evaluated: 2024-11-15. Review status: criteria provided, single submitter. Criteria: GeneDx Variant Classification Process June 2021. Collection method: clinical testing. Allele origin: germline.
Comment: Not observed at significant frequency in large population cohorts (gnomAD); In silico analysis supports that this missense variant has a deleterious effect on protein structure/function; Has not been previously published as pathogenic or benign to our knowledge

NM_001009999.3(KDM1A):c.1697C>T (p.Thr566Ile)

Gene: KDM1A (lysine demethylase 1A; plus strand). Cytogenetic location: 1p36.12.
Variant type: single nucleotide variant.
Coding change: c.1697C>T on transcript NM_001009999.3 (MANE Select); coding-DNA position 1697, C replaced by T.
Protein change: p.Thr566Ile; replaces threonine 566 with isoleucine.
Molecular consequence: missense variant.
Genome position (GRCh38, 1-based): chr1:23,073,366, C>T. VCF-style: chr1-23073366-C-T. GRCh37 (hg19) VCF-style: chr1-23399859-C-T.
Other names: c.1643C>T, p.Thr548Ile (NM_001363654.2); c.1703C>T, p.Thr568Ile (NM_001410762.1); c.1625C>T, p.Thr542Ile (NM_001410763.1, NM_015013.4); short protein forms T542I, T548I, T566I, T568I.
Identifiers: ClinVar variation 3253040 (VCV003253040.3), dbSNP rs2522804692.